The following is an entry in ClinVar:

NM_005802.5(TOPORS):c.964A>G (p.Ile322Val)

Gene: TOPORS (TOP1 binding arginine/serine rich protein, E3 ubiquitin ligase; minus strand). Cytogenetic location: 9p21.1.
Variant type: single nucleotide variant.
Coding change: c.964A>G on transcript NM_005802.5 (MANE Select); coding-DNA position 964, A replaced by G.
Protein change: p.Ile322Val; replaces isoleucine 322 with valine.
Molecular consequence: missense variant.
Genome position (GRCh38, 1-based): chr9:32,543,561, T>C on the plus strand (A>G on the coding strand, the complement: TOPORS is on the minus strand). VCF-style: chr9-32543561-T-C. GRCh37 (hg19) VCF-style: chr9-32543559-T-C.
Other names: c.769A>G, p.Ile257Val (NM_001195622.2); short protein forms I257V, I322V.
Identifiers: ClinVar variation 3652386 (VCV003652386.2).
Genomic context (GRCh38, chr9:32,543,561, plus strand): 5'-GTCTTAAATCAGACACAAATGCCTGACTCTCCAAGTCATAGCGAGTAACATTACTCATGA[T>C]AATATGCTGGACAATATTCACTAAAGATCCATGAGCTCCAAAAAGAACTGTAAGTTCACG-3'
Protein context (NP_005793.2, residues 312-332): GSLVNIVQHI[Ile322Val]MSNVTRYDLE

ClinVar aggregate classification (germline): Uncertain significance (1 of 4 stars; one submission).

gnomAD v4.1: 1 of 1,613,910 alleles (0.000062%); highest among the groups gnomAD compares: East Asian, 0.0022%; no homozygotes.

Submission:

Labcorp Genetics (formerly Invitae), Labcorp
Classification: Uncertain significance. Last evaluated: 2024-05-06. Review status: criteria provided, single submitter. Criteria: Invitae Variant Classification Sherloc (09022015). Collection method: clinical testing. Allele origin: germline.
Comment: This sequence change replaces isoleucine, which is neutral and non-polar, with valine, which is neutral and non-polar, at codon 322 of the TOPORS protein (p.Ile322Val). This variant is not present in population databases (gnomAD no frequency). This variant has not been reported in the literature in individuals affected with TOPORS-related conditions. An algorithm developed to predict the effect of missense changes on protein structure and function (PolyPhen-2) suggests that this variant is likely to be disruptive. In summary, the available evidence is currently insufficient to determine the role of this variant in disease. Therefore, it has been classified as a Variant of Uncertain Significance.